The following is an entry in ClinVar:

NM_212550.5(BLOC1S3):c.237C>T (p.Asp79=)

Gene: BLOC1S3 (biogenesis of lysosomal organelles complex 1 subunit 3; plus strand). Cytogenetic location: 19q13.32.
Variant type: single nucleotide variant.
Coding change: c.237C>T on transcript NM_212550.5 (MANE Select); coding-DNA position 237, C replaced by T.
Protein change: p.Asp79=; no amino-acid change (aspartic acid 79 retained).
Molecular consequence: synonymous variant.
Genome position (GRCh38, 1-based): chr19:45,179,533, C>T. VCF-style: chr19-45179533-C-T. GRCh37 (hg19) VCF-style: chr19-45682791-C-T.
Identifiers: ClinVar variation 3029583 (VCV003029583.3), dbSNP rs1487581109, ClinGen allele CA507952338.
Genomic context (GRCh38, chr19:45,179,533, plus strand): 5'-AGCCGCGGAGACCGACTCGGAGCCGGAGCCGGAGCCGGAACCGACGGCCGCGCCGAGGGA[C>T]CTGCCTCCACTCGTGGTGCAGCGGGAATCGGCGGAGGAGGCCTGGGGCACGGAGGAGGCC-3'
Protein context (NP_997715.1, residues 69-89): PEPEPTAAPR[Asp79=]LPPLVVQRES

ClinVar aggregate classification (germline): Likely benign. Review status: criteria provided, single submitter (1 of 4 stars). 2 submissions from 2 submitters: Likely benign (1). 1 of the submissions does not count toward it. Last evaluated 2025-04-13.

Conditions:
BLOC1S3-related disorder. Also called: BLOC1S3-related condition.

Allele frequency attached by ClinVar (database versions not stated): gnomAD exomes 0.00001.
gnomAD v4.1: 7 of 1,523,286 alleles (0.00046%); highest among the groups gnomAD compares: Admixed American, 0.0079%; no homozygotes.

Submissions (2):

Labcorp Genetics (formerly Invitae), Labcorp
Classification: Likely benign. Last evaluated: 2025-04-13. Review status: criteria provided, single submitter. Criteria: Invitae Variant Classification Sherloc (09022015). Collection method: clinical testing. Allele origin: germline.

PreventionGenetics, part of Exact Sciences
Classification: Likely benign for BLOC1S3-related condition. Last evaluated: 2023-11-30. Review status: no assertion criteria provided. Collection method: clinical testing. Allele origin: germline. Not counted in ClinVar's aggregate classification.
Comment: This variant is classified as likely benign based on ACMG/AMP sequence variant interpretation guidelines (Richards et al. 2015 PMID: 25741868, with internal and published modifications).